The following is an entry in ClinVar:

ClinVar aggregate classification (germline): Uncertain significance (1 of 4 stars; one submission).

Conditions:
Lynch syndrome. Identifiers: Orphanet 144, MedGen C4552100, MONDO:0005835. Disease mechanism: loss of function.

Submission:

All of Us Research Program, National Institutes of Health
Classification: Uncertain significance for Lynch syndrome. Last evaluated: 2023-10-02. Review status: criteria provided, single submitter. Criteria: ACMG Guidelines, 2015. Collection method: clinical testing. Allele origin: germline. Inheritance: Autosomal dominant inheritance. Observed: 1 variant allele, 1 heterozygote.
Comment: This missense variant replaces arginine with proline at codon 298 of the MSH6 protein. Computational prediction suggests that this variant may not impact protein structure and function (internally defined REVEL score threshold <= 0.5, PMID: 27666373). To our knowledge, functional studies have not been reported for this variant. This variant has not been reported in individuals affected with MSH6-related disorders in the literature. This variant has been identified in 1/251270 chromosomes in the general population by the Genome Aggregation Database (gnomAD). The available evidence is insufficient to determine the role of this variant in disease conclusively. Therefore, this variant is classified as a Variant of Uncertain Significance.

This study involves interpretation of variants in research participants for the purpose of population health screening. Participant phenotype was not available at the time of variant classification. Additional details can be found in publication PMID: 35346344, PMCID: PMC8962531

NM_000179.3(MSH6):c.893G>C (p.Arg298Pro)

Gene: MSH6 (mutS homolog 6; plus strand). Cytogenetic location: 2p16.3.
Variant type: single nucleotide variant.
Coding change: c.893G>C on transcript NM_000179.3 (MANE Select); coding-DNA position 893, G replaced by C.
Protein change: p.Arg298Pro; replaces arginine 298 with proline.
Molecular consequence: missense variant. On other transcripts: 5 prime UTR variant (9), non-coding transcript variant (4), intron variant (1).
Genome position (GRCh38, 1-based): chr2:47,798,876, G>C. VCF-style: chr2-47798876-G-C. GRCh37 (hg19) VCF-style: chr2-48026015-G-C.
Other names: c.503G>C, p.Arg168Pro (NM_001281492.2); c.-14G>C (NM_001281493.2, NM_001281494.2, NM_001406811.1 and 6 more transcripts); c.989G>C, p.Arg330Pro (NM_001406795.1, NM_001406802.1); c.893G>C, p.Arg298Pro (NM_001406796.1, NM_001406798.1, NM_001406800.1 and 4 more transcripts); c.596G>C, p.Arg199Pro (NM_001406797.1, NM_001406801.1, NM_001406805.1 and 10 more transcripts); c.368G>C, p.Arg123Pro (NM_001406799.1, NM_001406806.1, NM_001406807.1); c.815G>C, p.Arg272Pro (NM_001406804.1); c.899G>C, p.Arg300Pro (NM_001406813.1); and 2 more; short protein forms R123P, R168P, R199P, R242P, R272P, R298P, R300P, R330P.
Identifiers: ClinVar variation 3073611 (VCV003073611.1), dbSNP rs765237563, ClinGen allele CA346740689.